The following is an entry in ClinVar:

NM_005996.4(TBX3):c.574G>A (p.Ala192Thr)

Gene: TBX3 (T-box transcription factor 3; minus strand). Cytogenetic location: 12q24.21.
Variant type: single nucleotide variant.
Coding change: c.574G>A on transcript NM_005996.4 (MANE Select); coding-DNA position 574, G replaced by A.
Protein change: p.Ala192Thr; replaces alanine 192 with threonine.
Molecular consequence: missense variant.
Genome position (GRCh38, 1-based): chr12:114,680,962, C>T on the plus strand (G>A on the coding strand, the complement: TBX3 is on the minus strand). VCF-style: chr12-114680962-C-T. GRCh37 (hg19) VCF-style: chr12-115118767-C-T.
Other names: c.574G>A, p.Ala192Thr (NM_016569.4); short protein forms A192T.
Identifiers: ClinVar variation 2632016 (VCV002632016.1), dbSNP rs768160499, ClinGen allele CA6810172.

ClinVar aggregate classification (germline): Uncertain significance (1 of 4 stars; one submission).

Conditions:
TBX3-related disorder. Also called: TBX3-related condition.

Allele frequency attached by ClinVar (database versions not stated): gnomAD exomes 0.00001; ExAC 0.00002; gnomAD 0.00003; TOPMed 0.00004; 1000 Genomes Project 30x 0.00016.
gnomAD v4.1: 22 of 1,614,138 alleles (0.0014%); highest among the groups gnomAD compares: East Asian, 0.0089%; no homozygotes.

Submission:

PreventionGenetics, part of Exact Sciences
Classification: Uncertain significance for TBX3-related condition. Last evaluated: 2022-10-21. Review status: criteria provided, single submitter. Criteria: ACMG Guidelines, 2015. Collection method: clinical testing. Allele origin: germline.
Comment: The TBX3 c.574G>A variant is predicted to result in the amino acid substitution p.Ala192Thr. This variant has been reported in an individual with conotruncal heart defects, and some functional studies support a deleterious effect on protein function (Xie et al 2018. PubMed ID: 30223900). However, insufficient additional studies support the pathogenicity of this change. This variant is reported in 0.020% of alleles in individuals of East Asian descent in gnomAD. At this time, the clinical significance of this variant is uncertain due to the absence of conclusive functional and genetic evidence.